The following is an entry in ClinVar:

ClinVar aggregate classification (germline): Uncertain significance (1 of 4 stars; one submission).

Conditions:
Short-rib thoracic dysplasia 10 with or without polydactyly (SRTD10). Identifiers: Orphanet 474, MedGen C3810175, MONDO:0014284, OMIM 615630.
Retinitis pigmentosa 71 (RP71). Identifiers: Orphanet 791, MedGen C4225342, MONDO:0014618, OMIM 616394.

Allele frequency attached by ClinVar (database versions not stated): gnomAD exomes below 0.00001; TOPMed below 0.00001; ExAC 0.00001; gnomAD 0.00001.
gnomAD v4.1: 3 of 1,613,828 alleles (0.00019%); highest among the groups gnomAD compares: African/African-American, 0.0027%; no homozygotes.

Submission:

Labcorp Genetics (formerly Invitae), Labcorp
Classification: Uncertain significance for Retinitis pigmentosa 71; Short-rib thoracic dysplasia 10 with or without polydactyly. Last evaluated: 2022-01-13. Review status: criteria provided, single submitter. Criteria: Invitae Variant Classification Sherloc (09022015). Collection method: clinical testing. Allele origin: germline.
Comment: Algorithms developed to predict the effect of missense changes on protein structure and function are either unavailable or do not agree on the potential impact of this missense change (SIFT: "Deleterious"; PolyPhen-2: "Probably Damaging"; Align-GVGD: "Class C0"). In summary, the available evidence is currently insufficient to determine the role of this variant in disease. Therefore, it has been classified as a Variant of Uncertain Significance. ClinVar contains an entry for this variant (Variation ID: 1058175). This sequence change replaces tyrosine, which is neutral and polar, with cysteine, which is neutral and slightly polar, at codon 287 of the IFT172 protein (p.Tyr287Cys). This variant is present in population databases (rs766223232, gnomAD 0.007%). This variant has not been reported in the literature in individuals affected with IFT172-related conditions.

NM_015662.3(IFT172):c.860A>G (p.Tyr287Cys)

Gene: IFT172 (intraflagellar transport 172; minus strand). Cytogenetic location: 2p23.3.
Variant type: single nucleotide variant.
Coding change: c.860A>G on transcript NM_015662.3 (MANE Select); coding-DNA position 860, A replaced by G.
Protein change: p.Tyr287Cys; replaces tyrosine 287 with cysteine.
Molecular consequence: missense variant.
Genome position (GRCh38, 1-based): chr2:27,480,075, T>C on the plus strand (A>G on the coding strand, the complement: IFT172 is on the minus strand). VCF-style: chr2-27480075-T-C. GRCh37 (hg19) VCF-style: chr2-27702942-T-C.
Other names: short protein forms Y287C.
Identifiers: ClinVar variation 1058175 (VCV001058175.8), dbSNP rs766223232, ClinGen allele CA1580849.